The following is an entry in ClinVar:

NM_052947.4(ALPK2):c.1151G>A (p.Gly384Glu)

Genes: ALPK2 (alpha kinase 2; minus strand), LOC114803473 (ALPK2 eExon liver enhancer; plus strand). Cytogenetic location: 18q21.31.
Variant type: single nucleotide variant.
Coding change: c.1151G>A on transcript NM_052947.4 (MANE Select); coding-DNA position 1151, G replaced by A.
Protein change: p.Gly384Glu; replaces glycine 384 with glutamic acid.
Molecular consequence: missense variant.
Genome position (GRCh38, 1-based): chr18:58,579,625, C>T on the plus strand (G>A on the coding strand, the complement: ALPK2 is on the minus strand). VCF-style: chr18-58579625-C-T. GRCh37 (hg19) VCF-style: chr18-56246857-C-T.
Other names: short protein forms G384E.
Identifiers: ClinVar variation 3228556 (VCV003228556.1), dbSNP rs937781711, ClinGen allele CA300927273.
Genomic context (GRCh38, chr18:58,579,625, plus strand): 5'-TGATGACCACAGAAGCCAGCAGTGGCAACCATAGGCCCAGCGTCACCCGACACCCGAGAC[C>T]CACAACCCATTCCACTGAGGAAATGCTCACACCCACCCAGGCAATGCTCACCGAATTCCA-3'
Protein context (NP_443179.3, residues 374-394): CEHFLSGMGC[Gly384Glu]SRVSGDAGPM

ClinVar aggregate classification (germline): Uncertain significance (1 of 4 stars; one submission).

Allele frequency attached by ClinVar (database versions not stated): gnomAD exomes below 0.00001; TOPMed below 0.00001.
gnomAD v4.1: 5 of 1,614,028 alleles (0.00031%); highest among the groups gnomAD compares: Non-Finnish European, 0.00042%; no homozygotes.

Submission:

Ambry Genetics
Classification: Uncertain significance. Last evaluated: 2024-02-23. Review status: criteria provided, single submitter. Criteria: Ambry Variant Classification Scheme 2023. Collection method: clinical testing. Allele origin: germline.
Comment: The p.G384E variant (also known as c.1151G>A), located in coding exon 3 of the ALPK2 gene, results from a G to A substitution at nucleotide position 1151. The glycine at codon 384 is replaced by glutamic acid, an amino acid with similar properties. This amino acid position is conserved. In addition, this alteration is predicted to be tolerated by in silico analysis. Based on the available evidence, the clinical significance of this alteration remains unclear.